The following is an entry in ClinVar:

ClinVar aggregate classification (germline): Uncertain significance. Review status: criteria provided, single submitter (1 of 4 stars). 2 submissions from 2 submitters: Uncertain significance (1). 1 of the submissions does not count toward it. Last evaluated 2017-11-12.

Conditions:
PKD1-related disorder. Also called: PKD1-related condition.

Submissions (2):

ARUP Laboratories, Molecular Genetics and Genomics, ARUP Laboratories
Classification: Uncertain significance. Last evaluated: 2017-11-12. Review status: criteria provided, single submitter. Criteria: ARUP Molecular Germline Variant Investigation Process. Collection method: clinical testing. Allele origin: germline.

PreventionGenetics, part of Exact Sciences
Classification: Likely pathogenic for PKD1-related condition. Last evaluated: 2024-02-19. Review status: no assertion criteria provided. Collection method: clinical testing. Allele origin: germline. Not counted in ClinVar's aggregate classification.
Comment: The PKD1 c.10850T>C variant is predicted to result in the amino acid substitution p.Leu3617Pro. This variant has not been reported in a large population database, indicating this variant is rare. This variant is interpreted as likely pathogenic.

NM_001009944.3(PKD1):c.10850T>C (p.Leu3617Pro)

Genes: PKD1 (polycystin 1, transient receptor potential channel interacting; minus strand), PKD1-AS1 (PKD1 antisense RNA 1; plus strand). Cytogenetic location: 16p13.3.
Variant type: single nucleotide variant.
Coding change: c.10850T>C on transcript NM_001009944.3 (MANE Select); coding-DNA position 10850, T replaced by C.
Protein change: p.Leu3617Pro; replaces leucine 3617 with proline.
Molecular consequence: missense variant.
Genome position (GRCh38, 1-based): chr16:2,093,710, A>G on the plus strand (T>C on the coding strand, the complement: PKD1 is on the minus strand). VCF-style: chr16-2093710-A-G. GRCh37 (hg19) VCF-style: chr16-2143711-A-G.
Other names: c.10847T>C, p.Leu3616Pro (NM_000296.4); c.10850T>C (NM_001009944.2); short protein forms L3616P, L3617P.
Identifiers: ClinVar variation 618808 (VCV000618808.11), dbSNP rs1567158067, ClinGen allele CA394339276.